The following is an entry in ClinVar:

ClinVar aggregate classification (germline): Uncertain significance (1 of 4 stars; one submission).

Conditions:
Autosomal dominant Parkinson disease 8. Also called: LRRK2-Related Parkinson Disease; Parkinson disease 8; Parkinson disease 8, susceptibility to. Identifiers: Orphanet 411602, MedGen C1846862, MONDO:0011764, OMIM 607060.

Allele frequency attached by ClinVar (database versions not stated): gnomAD exomes below 0.00001.
gnomAD v4.1: 3 of 1,612,770 alleles (0.00019%); highest among the groups gnomAD compares: South Asian, 0.0033%; no homozygotes.

Submission:

Labcorp Genetics (formerly Invitae), Labcorp
Classification: Uncertain significance for Autosomal dominant Parkinson disease 8. Last evaluated: 2022-09-10. Review status: criteria provided, single submitter. Criteria: Invitae Variant Classification Sherloc (09022015). Collection method: clinical testing. Allele origin: germline.
Comment: In summary, the available evidence is currently insufficient to determine the role of this variant in disease. Therefore, it has been classified as a Variant of Uncertain Significance. Advanced modeling of protein sequence and biophysical properties (such as structural, functional, and spatial information, amino acid conservation, physicochemical variation, residue mobility, and thermodynamic stability) has been performed at Invitae for this missense variant, however the output from this modeling did not meet the statistical confidence thresholds required to predict the impact of this variant on LRRK2 protein function. This variant has not been reported in the literature in individuals affected with LRRK2-related conditions. This variant is present in population databases (no rsID available, gnomAD 0.003%). This sequence change replaces valine, which is neutral and non-polar, with methionine, which is neutral and non-polar, at codon 1557 of the LRRK2 protein (p.Val1557Met).

NM_198578.4(LRRK2):c.4669G>A (p.Val1557Met)

Gene: LRRK2 (leucine rich repeat kinase 2; plus strand). Cytogenetic location: 12q12.
Variant type: single nucleotide variant.
Coding change: c.4669G>A on transcript NM_198578.4 (MANE Select); coding-DNA position 4669, G replaced by A.
Protein change: p.Val1557Met; replaces valine 1557 with methionine.
Molecular consequence: missense variant.
Genome position (GRCh38, 1-based): chr12:40,314,104, G>A. VCF-style: chr12-40314104-G-A. GRCh37 (hg19) VCF-style: chr12-40707906-G-A.
Other names: short protein forms V1557M.
Identifiers: ClinVar variation 1923938 (VCV001923938.5), dbSNP rs1404927444, ClinGen allele CA384419012.
Genomic context (GRCh38, chr12:40,314,104, plus strand): 5'-GAGCGTAAAAATGTGCCAATTGAATTTCCCGTAATTGACCGGAAACGATTATTACAACTA[G>A]TGAGAGAAAATCAGCTGCAGTTAGATGAAAATGAGCTTCCTCACGCAGTTCACTTTCTAA-3'
Protein context (NP_940980.4, residues 1547-1567): VIDRKRLLQL[Val1557Met]RENQLQLDEN